The following is an entry in ClinVar:

NM_001035.3(RYR2):c.6105G>T (p.Lys2035Asn)

Gene: RYR2 (ryanodine receptor 2; plus strand). Cytogenetic location: 1q43.
Variant type: single nucleotide variant.
Coding change: c.6105G>T on transcript NM_001035.3 (MANE Select); coding-DNA position 6105, G replaced by T.
Protein change: p.Lys2035Asn; replaces lysine 2035 with asparagine.
Molecular consequence: missense variant.
Genome position (GRCh38, 1-based): chr1:237,625,743, G>T. VCF-style: chr1-237625743-G-T. GRCh37 (hg19) VCF-style: chr1-237789043-G-T.
Other names: short protein forms K2035N.
Identifiers: ClinVar variation 4757205 (VCV004757205.1).
Genomic context (GRCh38, chr1:237,625,743, plus strand): 5'-GTCTCTGGATGGAAACAGTGATTTAACAATTAGAGGGCGTCTGCTATCCCTGGTAGAAAA[G>T]GTGACATATCTGAAGAAGAAGCAAGCAGAAAAACCAGTTGAGAGTGACTCCAAAAAGTCC-3'
Protein context (NP_001026.2, residues 2025-2045): IRGRLLSLVE[Lys2035Asn]VTYLKKKQAE

ClinVar aggregate classification (germline): Uncertain significance (1 of 4 stars; one submission).

Conditions:
Cardiomyopathy (CMYO). Also called: Cardiomyopathies. Identifiers: Orphanet 167848, MedGen C0878544, MONDO:0004994, HP:0001638. Inheritance: Various modes of inheritance.

Submission:

Color Diagnostics, LLC DBA Color Health
Classification: Uncertain significance for Cardiomyopathy. Last evaluated: 2025-06-09. Review status: criteria provided, single submitter. Criteria: ACMG Guidelines, 2015. Collection method: clinical testing. Allele origin: germline.
Comment: This missense variant replaces lysine with asparagine at codon 2035 of the RYR2 protein. Computational prediction suggests that this variant may not impact protein structure and function. To our knowledge, functional studies have not been reported for this variant. This variant has not been reported in individuals affected with RYR2-related disorders in the literature. This variant has not been identified in the general population by the Genome Aggregation Database (gnomAD). The available evidence is insufficient to determine the role of this variant in disease conclusively. Therefore, this variant is classified as a Variant of Uncertain Significance.